The following is an entry in ClinVar:

ClinVar aggregate classification (germline): Uncertain significance (1 of 4 stars; one submission).

Conditions:
Intellectual developmental disorder with microcephaly and with or without ocular malformations or hypogonadotropic hypogonadism. Also called: Intellectual disability, autosomal dominant 27; Coffin-Siris Syndrome 9. Identifiers: Orphanet 1465, MedGen C4014528, MONDO:0014376, OMIM 615866.

Submission:

Laboratorio de Genetica e Diagnostico Molecular, Hospital Israelita Albert Einstein
Classification: Uncertain significance for Intellectual developmental disorder with microcephaly and with or without ocular malformations or hypogonadotropic hypogonadism. Last evaluated: 2023-07-03. Review status: criteria provided, single submitter. Criteria: ACMG Guidelines, 2015. Collection method: clinical testing. Allele origin: germline. Affected: yes.
Comment: ACMG classification criteria: PM2 supporting

NM_003108.4(SOX11):c.498A>C (p.Lys166Asn)

Gene: SOX11 (SRY-box transcription factor 11; plus strand). Cytogenetic location: 2p25.2.
Variant type: single nucleotide variant.
Coding change: c.498A>C on transcript NM_003108.4 (MANE Select); coding-DNA position 498, A replaced by C.
Protein change: p.Lys166Asn; replaces lysine 166 with asparagine.
Molecular consequence: missense variant.
Genome position (GRCh38, 1-based): chr2:5,693,219, A>C. VCF-style: chr2-5693219-A-C. GRCh37 (hg19) VCF-style: chr2-5833351-A-C.
Other names: short protein forms K166N.
Identifiers: ClinVar variation 4076194 (VCV004076194.1).